The following is an entry in ClinVar:

ClinVar aggregate classification (germline): Conflicting classifications of pathogenicity. Review status: criteria provided, conflicting classifications (1 of 4 stars). 7 submissions from 7 submitters: Pathogenic (3); Likely pathogenic (2); Uncertain significance (2). Last evaluated 2026-01-26.

Conditions:
Retinitis pigmentosa (RP). Identifiers: Orphanet 791, MedGen C0035334, MeSH D012174, MONDO:0019200, OMIM 268000. Inheritance: Autosomal dominant, autosomal recessive and X linked inheritance.
Retinal dystrophy. Also called: Inherited retinal dystrophy. Identifiers: Orphanet 71862, MedGen C0854723, MeSH D058499, MONDO:0019118, HP:0000556.
ABCA4-related disorder. Also called: ABCA4-related disorders; ABCA4-related condition. Identifiers: MedGen CN239167.
Severe early-childhood-onset retinal dystrophy (STGD1). Also called: Stargardt macular dystrophy; Juvenile onset macular degeneration; Stargardt disease 1; MACULAR DYSTROPHY WITH FLECKS, TYPE 1; STGD. Identifiers: Orphanet 364055, Orphanet 827, MedGen C1855465, MeSH D000080362, MONDO:0009549, OMIM 248200.

Allele frequency attached by ClinVar (database versions not stated): gnomAD 0.00011; TOPMed 0.00011; 1000 Genomes Project 30x 0.00031; ExAC 0.00019; 1000 Genomes Project 0.00020; ESP Exome Variant Server 0.00031.
gnomAD v4.1: 287 of 1,613,918 alleles (0.018%); highest among the groups gnomAD compares: Non-Finnish European, 0.022%; no homozygotes.

Submissions (7):

PreventionGenetics, part of Exact Sciences
Classification: Likely pathogenic for ABCA4-related condition. Last evaluated: 2026-01-26. Review status: criteria provided, single submitter. Criteria: ACMG Guidelines, 2015. Collection method: clinical testing. Allele origin: germline.
Comment: The ABCA4 c.1522C>T variant is predicted to result in the amino acid substitution p.Arg508Cys. This variant has been reported in individuals ABCA4-related retinal disease (see for example: Table S4, Jiang et al. 2016. PubMed ID: 26780318; Table S1, Stone et al. 2017. PubMed ID: 28559085; Table S1, Ma et al. 2021. PubMed ID: 33691693 ). An alternate nucleotide change impacting the same amino acid position (p.Arg508Pro) has been reported in an individual with ABCA4-related retinal disease (Supplementary Table 1, Birtel et al. 2018. PubMed ID: 29555955). This variant is reported in 0.028% of alleles in individuals of European (Non-Finnish) descent in gnomAD. This variant is interpreted as likely pathogenic.

Labcorp Genetics (formerly Invitae), Labcorp
Classification: Pathogenic. Last evaluated: 2026-01-17. Review status: criteria provided, single submitter. Criteria: Invitae Variant Classification Sherloc (09022015). Collection method: clinical testing. Allele origin: germline.
Comment: This sequence change replaces arginine, which is basic and polar, with cysteine, which is neutral and slightly polar, at codon 508 of the ABCA4 protein (p.Arg508Cys). This variant is present in population databases (rs138157885, gnomAD 0.03%). This missense change has been observed in individual(s) with Stargardt disease (PMID: 26780318, 28559085). In at least one individual the data is consistent with being in trans (on the opposite chromosome) from a pathogenic variant. ClinVar contains an entry for this variant (Variation ID: 298258). Invitae Evidence Modeling of protein sequence and biophysical properties (such as structural, functional, and spatial information, amino acid conservation, physicochemical variation, residue mobility, and thermodynamic stability) indicates that this missense variant is expected to disrupt ABCA4 protein function with a positive predictive value of 95%. For these reasons, this variant has been classified as Pathogenic.

3billion
Classification: Likely pathogenic for Severe early-childhood-onset retinal dystrophy. Last evaluated: 2025-10-29. Review status: criteria provided, single submitter. Criteria: ACMG Guidelines, 2015. Collection method: clinical testing. Allele origin: germline. Affected: yes.
Comment: The variant is observed at an extremely low frequency in the gnomAD v4.1.0 dataset (total allele frequency: 0.018%). Predicted Consequence/Location: Missense variant In silico tool predictions suggest damaging effect of the variant on gene or gene product [REVEL: 0.66 (>=0.6, sensitivity 0.68 and specificity 0.92)]. The same nucleotide change resulting in the same amino acid change has been previously reported as pathogenic/likely pathogenic with strong evidence (ClinVar ID: VCV000298258 /PMID: 18024811 /3billion dataset). A different missense change at the same codon (p.Arg508Pro) has been reported to be associated with ABCA4-related disorder (ClinVar ID: VCV003249758 /PMID: 29555955). Therefore, this variant is classified as Likely pathogenic according to the recommendation of ACMG/AMP guideline.

Blueprint Genetics
Classification: Pathogenic for ABCA4-related disorders. Last evaluated: 2024-10-16. Review status: criteria provided, single submitter. Criteria: ACMG Guidelines, 2015. Collection method: clinical testing. Allele origin: germline. Affected: yes. Observed: 5 variant alleles.

Women's Health and Genetics/Laboratory Corporation of America, LabCorp
Classification: Pathogenic for Retinitis pigmentosa. Last evaluated: 2023-07-31. Review status: criteria provided, single submitter. Criteria: LabCorp Variant Classification Summary - May 2015. Collection method: clinical testing. Allele origin: germline.
Comment: Variant summary: ABCA4 c.1522C>T (p.Arg508Cys) results in a non-conservative amino acid change in the encoded protein sequence. Five of five in-silico tools predict a damaging effect of the variant on protein function. The variant allele was found at a frequency of 0.00018 in 251082 control chromosomes (gnomAD). This frequency is not significantly higher than estimated for a pathogenic variant in ABCA4 causing Retinitis Pigmentosa (0.00018 vs 0.0014), allowing no conclusion about variant significance. c.1522C>T has been reported in the literature in multiple individuals affected with macular dystrophy (Michaelides_2007), autosomal recessive stargardt Disease (examples: Jiang_2015, Stone_2017, Hu_ABCA4_2019), cone-rod dystrophy (Jiang_2015, Falsini_2022), autosomal recessive retinitis pigmentosa (examples: Ma_2021, Neveling_2012). These data indicate that the variant is very likely to be associated with disease. The following publications have been ascertained in the context of this evaluation (PMID: 35260635, 31543898, 26780318, 33691693, 18024811, 22334370, 28559085). Four submitters have cited clinical-significance assessments for this variant to ClinVar after 2014 and classified the variant as VUS (n=2) and pathogenic/likely pathogenic (n=2). Based on the evidence outlined above, the variant was classified as pathogenic for autosomal recessive stargardt disease and retinitis pigmentosa.

Institute of Human Genetics, Univ. Regensburg, Univ. Regensburg
Classification: Uncertain significance for Retinal dystrophy. Last evaluated: 2022-01-01. Review status: criteria provided, single submitter. Criteria: ACMG Guidelines, 2015. Collection method: clinical testing. Allele origin: germline. Affected: yes.

DBGen Ocular Genomics
Classification: Uncertain significance for Severe early-childhood-onset retinal dystrophy. Last evaluated: 2021-05-31. Review status: criteria provided, single submitter. Criteria: ACMG Guidelines, 2015. Collection method: clinical testing. Allele origin: germline. Affected: yes. Observed: 1 variant allele.

Literature cited by the submitters: PubMed 26780318 (cited by 3 submitters); PubMed 28559085 (cited by 3 submitters); PubMed 18024811 (cited by 3 submitters); PubMed 29555955 (cited by 3billion); PubMed 22334370 (cited by Women's Health and Genetics/Laboratory Corporation of America, LabCorp); PubMed 33691693 (cited by Women's Health and Genetics/Laboratory Corporation of America, LabCorp and Institute of Human Genetics, Univ. Regensburg, Univ. Regensburg); PubMed 35260635 (cited by Women's Health and Genetics/Laboratory Corporation of America, LabCorp and Institute of Human Genetics, Univ. Regensburg, Univ. Regensburg); PubMed 31543898 (cited by Women's Health and Genetics/Laboratory Corporation of America, LabCorp); PubMed 34426522 (cited by Institute of Human Genetics, Univ. Regensburg, Univ. Regensburg); PubMed 36460718 (cited by Institute of Human Genetics, Univ. Regensburg, Univ. Regensburg).

NM_000350.3(ABCA4):c.1522C>T (p.Arg508Cys)

Gene: ABCA4 (ATP binding cassette subfamily A member 4; minus strand). Cytogenetic location: 1p22.1.
Variant type: single nucleotide variant.
Coding change: c.1522C>T on transcript NM_000350.3 (MANE Select); coding-DNA position 1522, C replaced by T.
Protein change: p.Arg508Cys; replaces arginine 508 with cysteine.
Molecular consequence: missense variant.
Genome position (GRCh38, 1-based): chr1:94,077,722, G>A on the plus strand (C>T on the coding strand, the complement: ABCA4 is on the minus strand). VCF-style: chr1-94077722-G-A. GRCh37 (hg19) VCF-style: chr1-94543278-G-A.
Other names: c.1522C>T, p.Arg508Cys (NM_001425324.1); short protein forms R508C.
Identifiers: ClinVar variation 298258 (VCV000298258.20), dbSNP rs138157885, ClinGen allele CA958507.
Genomic context (GRCh38, chr1:94,077,722, plus strand): 5'-GCCCACTGTGGGGCTTGCAGCCCCTTACCTCCAGGTATTGATTGACCAGGCGGAGGGTGC[G>A]ATCAGTGATGTTAAATATGTCCCTCCAGTCGAAGTTGGCCATGTCGTCAGCCTGGCTTTC-3'
Protein context (NP_000341.2, residues 498-518): DWRDIFNITD[Arg508Cys]TLRLVNQYLE